The following is an entry in ClinVar:

NM_006939.4(SOS2):c.955G>A (p.Ala319Thr)

Gene: SOS2 (SOS Ras/Rho guanine nucleotide exchange factor 2; minus strand). Cytogenetic location: 14q21.3.
Variant type: single nucleotide variant.
Coding change: c.955G>A on transcript NM_006939.4 (MANE Select); coding-DNA position 955, G replaced by A.
Protein change: p.Ala319Thr; replaces alanine 319 with threonine.
Molecular consequence: missense variant.
Genome position (GRCh38, 1-based): chr14:50,180,586, C>T on the plus strand (G>A on the coding strand, the complement: SOS2 is on the minus strand). VCF-style: chr14-50180586-C-T. GRCh37 (hg19) VCF-style: chr14-50647304-C-T.
Other names: c.955G>A, p.Ala319Thr (NM_001411020.1); short protein forms A319T.
Identifiers: ClinVar variation 2055632 (VCV002055632.4), dbSNP rs1186781976, ClinGen allele CA389646928.

ClinVar aggregate classification (germline): Uncertain significance (1 of 4 stars; one submission).

Conditions:
Noonan syndrome 9 (NS9). Identifiers: Orphanet 648, MedGen C4225282, MONDO:0014691, OMIM 616559.

Allele frequency attached by ClinVar (database versions not stated): gnomAD exomes below 0.00001; gnomAD 0.00001.
gnomAD v4.1: 2 of 1,464,268 alleles (0.00014%); highest among the groups gnomAD compares: Non-Finnish European, 0.00019%; no homozygotes.

Submission:

Labcorp Genetics (formerly Invitae), Labcorp
Classification: Uncertain significance for Noonan syndrome 9. Last evaluated: 2022-02-27. Review status: criteria provided, single submitter. Criteria: Invitae Variant Classification Sherloc (09022015). Collection method: clinical testing. Allele origin: germline.
Comment: In summary, the available evidence is currently insufficient to determine the role of this variant in disease. Therefore, it has been classified as a Variant of Uncertain Significance. Advanced modeling of protein sequence and biophysical properties (such as structural, functional, and spatial information, amino acid conservation, physicochemical variation, residue mobility, and thermodynamic stability) performed at Invitae indicates that this missense variant is not expected to disrupt SOS2 protein function. This variant has not been reported in the literature in individuals affected with SOS2-related conditions. This variant is not present in population databases (gnomAD no frequency). This sequence change replaces alanine, which is neutral and non-polar, with threonine, which is neutral and polar, at codon 319 of the SOS2 protein (p.Ala319Thr).